The following is an entry in ClinVar:

ClinVar aggregate classification (germline): Uncertain significance. Review status: criteria provided, multiple submitters, no conflicts (2 of 4 stars). 3 submissions from 3 submitters: Uncertain significance (3). Last evaluated 2024-11-11.

Conditions:
Hereditary cancer-predisposing syndrome. Also called: Tumor predisposition; Neoplastic Syndromes, Hereditary; Hereditary neoplastic syndrome; Hereditary Cancer Syndrome. Identifiers: Orphanet 140162, MedGen C0027672, MeSH D009386, MONDO:0015356.
Ataxia-telangiectasia syndrome (AT). Also called: Ataxia-telangiectasia, complementation group D; AT, COMPLEMENTATION GROUP C; ATAXIA-TELANGIECTASIA, COMPLEMENTATION GROUP A; ATAXIA-TELANGIECTASIA, FRESNO VARIANT; Ataxia-telangiectasia; Ataxia telangiectasia (A-T). Identifiers: Orphanet 100, MedGen C0004135, MONDO:0008840, OMIM 208900.

gnomAD v4.1: 1 of 1,610,878 alleles (0.000062%); highest among the groups gnomAD compares: East Asian, 0.0022%; no homozygotes.

Submissions (3):

Ambry Genetics
Classification: Uncertain significance for Hereditary cancer-predisposing syndrome. Last evaluated: 2024-11-11. Review status: criteria provided, single submitter. Criteria: Ambry Variant Classification Scheme 2023. Collection method: clinical testing. Allele origin: germline.
Comment: The p.P2029R variant (also known as c.6086C>G), located in coding exon 40 of the ATM gene, results from a C to G substitution at nucleotide position 6086. The proline at codon 2029 is replaced by arginine, an amino acid with dissimilar properties. This amino acid position is highly conserved in available vertebrate species. In addition, the in silico prediction for this alteration is inconclusive. Based on the available evidence, the clinical significance of this variant remains unclear.

Labcorp Genetics (formerly Invitae), Labcorp
Classification: Uncertain significance for Ataxia-telangiectasia syndrome. Last evaluated: 2023-12-06. Review status: criteria provided, single submitter. Criteria: Invitae Variant Classification Sherloc (09022015). Collection method: clinical testing. Allele origin: germline.
Comment: This sequence change replaces proline, which is neutral and non-polar, with arginine, which is basic and polar, at codon 2029 of the ATM protein (p.Pro2029Arg). This variant is not present in population databases (gnomAD no frequency). This variant has not been reported in the literature in individuals affected with ATM-related conditions. ClinVar contains an entry for this variant (Variation ID: 953912). An algorithm developed to predict the effect of missense changes on protein structure and function (PolyPhen-2) suggests that this variant is likely to be disruptive. In summary, the available evidence is currently insufficient to determine the role of this variant in disease. Therefore, it has been classified as a Variant of Uncertain Significance.

Women's Health and Genetics/Laboratory Corporation of America, LabCorp
Classification: Uncertain significance. Last evaluated: 2023-02-13. Review status: criteria provided, single submitter. Criteria: LabCorp Variant Classification Summary - May 2015. Collection method: clinical testing. Allele origin: germline.
Comment: Variant summary: ATM c.6086C>G (p.Pro2029Arg) results in a non-conservative amino acid change located in the PIK-related kinase domain (IPR014009) of the encoded protein sequence. Three of five in-silico tools predict a damaging effect of the variant on protein function. The variant was absent in 251420 control chromosomes (gnomAD). The available data on variant occurrences in the general population are insufficient to allow any conclusion about variant significance. To our knowledge, no occurrence of c.6086C>G in individuals affected with Ataxia-Telangiectasia and no experimental evidence demonstrating its impact on protein function have been reported. One clinical diagnostic laboratory has submitted clinical-significance assessments for this variant to ClinVar after 2014 and classified the variant as uncertain significance. Based on the evidence outlined above, the variant was classified as uncertain significance.

NM_000051.4(ATM):c.6086C>G (p.Pro2029Arg)

Genes: ATM (ATM serine/threonine kinase; plus strand), C11orf65 (chromosome 11 open reading frame 65; minus strand). Cytogenetic location: 11q22.3.
Variant type: single nucleotide variant.
Coding change: c.6086C>G on transcript NM_000051.4 (MANE Select); coding-DNA position 6086, C replaced by G.
Protein change: p.Pro2029Arg; replaces proline 2029 with arginine.
Molecular consequence: missense variant. On other transcripts: intron variant (2).
Genome position (GRCh38, 1-based): chr11:108,315,902, C>G. VCF-style: chr11-108315902-C-G. GRCh37 (hg19) VCF-style: chr11-108186629-C-G.
Other names: c.6086C>G, p.Pro2029Arg (NM_001351834.2); c.641-6831G>C (NM_001330368.2); c.*39-6831G>C (NM_001351110.2); short protein forms P2029R.
Identifiers: ClinVar variation 953912 (VCV000953912.12), dbSNP rs863224575, ClinGen allele CA382550185.
Genomic context (GRCh38, chr11:108,315,902, plus strand): 5'-ACAGAAGTATAGGGGAGCCAGATAGTTTGTATGGCTGTGGTGGAGGGAAGATGTTACAAC[C>G]CATTACTAGGTAAATTGCATTTTTCTAAACAACGGTATAGTAATTCTGTTTATGAAGGAG-3'
Protein context (NP_000042.3, residues 2019-2039): YGCGGGKMLQ[Pro2029Arg]ITRLRTYEHE